The following is an entry in ClinVar:

NM_001458.5(FLNC):c.3838C>T (p.Leu1280=)

Gene: FLNC (filamin C; plus strand). Cytogenetic location: 7q32.1.
Variant type: single nucleotide variant.
Coding change: c.3838C>T on transcript NM_001458.5 (MANE Select); coding-DNA position 3838, C replaced by T.
Protein change: p.Leu1280=; no amino-acid change (leucine 1280 retained).
Molecular consequence: synonymous variant.
Genome position (GRCh38, 1-based): chr7:128,846,037, C>T. VCF-style: chr7-128846037-C-T. GRCh37 (hg19) VCF-style: chr7-128486091-C-T.
Other names: p.Leu1280=; c.3838C>T, p.Leu1280= (NM_001127487.2).
Identifiers: ClinVar variation 129087 (VCV000129087.32), dbSNP rs34180031, ClinGen allele CA152853.

ClinVar aggregate classification (germline): Benign. Review status: criteria provided, multiple submitters, no conflicts (2 of 4 stars). 15 submissions from 15 submitters: Benign (11). 4 of the submissions do not count toward it. Last evaluated 2026-02-04.

Conditions:
Myofibrillar myopathy 5. Also called: Filaminopathy (type); FILAMINOPATHY, AUTOSOMAL DOMINANT. Identifiers: Orphanet 171445, MedGen C1836050, MONDO:0012289, OMIM 609524.
Distal myopathy with posterior leg and anterior hand involvement. Also called: WILLIAMS DISTAL MYOPATHY. Identifiers: Orphanet 63273, MedGen C3279722, MONDO:0013550, OMIM 614065.
Hypertrophic cardiomyopathy 26. Also called: Cardiomyopathy, familial hypertrophic, 26. Identifiers: Orphanet 75249, MedGen C4310749, MONDO:0014883, OMIM 617047.
Cardiovascular phenotype. Identifiers: MedGen CN230736.

Allele frequency attached by ClinVar (database versions not stated): 1000 Genomes Project 30x 0.01905; 1000 Genomes Project 0.01977; TOPMed 0.02753; ESP Exome Variant Server 0.03066; gnomAD exomes 0.03254; ExAC 0.03326; gnomAD 0.03367 and 0.03419.
gnomAD v4.1: 56,036 of 1,613,884 alleles (3.5%); highest among the groups gnomAD compares: Non-Finnish European, 3.7%; 1,176 homozygotes.

Submissions (15):

Labcorp Genetics (formerly Invitae), Labcorp
Classification: Benign for Distal myopathy with posterior leg and anterior hand involvement; Myofibrillar myopathy 5; Hypertrophic cardiomyopathy 26. Last evaluated: 2026-02-04. Review status: criteria provided, single submitter. Criteria: Invitae Variant Classification Sherloc (09022015). Collection method: clinical testing. Allele origin: germline.

Molecular Diagnostic Laboratory for Inherited Cardiovascular Disease, Montreal Heart Institute
Classification: Benign. Last evaluated: 2025-04-09. Review status: criteria provided, single submitter. Criteria: ACMG Guidelines, 2015. Collection method: clinical testing. Allele origin: germline. Affected: no.

Blueprint Genetics
Classification: Benign. Last evaluated: 2024-11-27. Review status: criteria provided, single submitter. Criteria: ACMG Guidelines, 2015. Collection method: clinical testing. Allele origin: germline.

Women's Health and Genetics/Laboratory Corporation of America, LabCorp
Classification: Benign. Last evaluated: 2023-07-29. Review status: criteria provided, single submitter. Criteria: LabCorp Variant Classification Summary - May 2015. Collection method: clinical testing. Allele origin: germline.

Mayo Clinic Laboratories, Mayo Clinic
Classification: Benign. Last evaluated: 2022-04-26. Review status: criteria provided, single submitter. Criteria: ACMG Guidelines, 2015. Collection method: clinical testing. Allele origin: germline. Observed: 133 variant alleles.

Ambry Genetics
Classification: Benign for Cardiovascular phenotype. Last evaluated: 2018-12-28. Review status: criteria provided, single submitter. Criteria: Ambry Variant Classification Scheme 2023. Collection method: clinical testing. Allele origin: germline.

Athena Diagnostics
Classification: Benign. Last evaluated: 2017-11-30. Review status: criteria provided, single submitter. Criteria: Athena Diagnostics Criteria. Collection method: clinical testing. Allele origin: germline.

GeneDx
Classification: Benign. Last evaluated: 2016-01-13. Review status: criteria provided, single submitter. Criteria: GeneDx Variant Classification (06012015). Collection method: clinical testing. Allele origin: germline. Affected: yes.
Comment: This variant is considered likely benign or benign based on one or more of the following criteria: it is a conservative change, it occurs at a poorly conserved position in the protein, it is predicted to be benign by multiple in silico algorithms, and/or has population frequency not consistent with disease.

Laboratory for Molecular Medicine, Mass General Brigham Personalized Medicine
Classification: Benign. Last evaluated: 2015-01-13. Review status: criteria provided, single submitter. Criteria: LMM Criteria. Collection method: clinical testing. Allele origin: germline. Observed: 1 variant allele.
Comment: p.Leu1280Leu in exon 22 of FLNC: This variant is not expected to have clinical s ignificance because it does not alter an amino acid residue and is not located w ithin the splice consensus sequence. It has been identified in 3.4% (290/8410) o f European American chromosomes from a broad population by the NHLBI Exome Seque ncing Project (dbSNP rs34180031).

Breakthrough Genomics
Classification: Benign. Review status: criteria provided, single submitter. Criteria: ACMG Guidelines, 2015. Collection method: not provided. Allele origin: germline. Inheritance: Autosomal dominant inheritance. Affected: yes.

PreventionGenetics, part of Exact Sciences
Classification: Benign. Review status: criteria provided, single submitter. Criteria: ACMG Guidelines, 2015. Collection method: clinical testing. Allele origin: germline.

Clinical Genetics, Academic Medical Center
Classification: Benign. Review status: no assertion criteria provided. Collection method: clinical testing. Allele origin: germline. Affected: yes. Study: VKGL Data-share Consensus. Not counted in ClinVar's aggregate classification.

Genetic Services Laboratory, University of Chicago
Classification: Likely benign for AllHighlyPenetrant. Review status: no assertion criteria provided. Collection method: clinical testing. Allele origin: germline. Inheritance: Autosomal dominant inheritance. Not counted in ClinVar's aggregate classification.
Comment: Likely benign based on allele frequency in 1000 Genomes Project or ESP global frequency and its presence in a patient with a rare or unrelated disease phenotype. NOT Sanger confirmed.

Joint Genome Diagnostic Labs from Nijmegen and Maastricht, Radboudumc and MUMC+
Classification: Benign. Review status: no assertion criteria provided. Collection method: clinical testing. Allele origin: germline. Affected: yes. Study: VKGL Data-share Consensus. Not counted in ClinVar's aggregate classification.

Laboratory of Diagnostic Genome Analysis, Leiden University Medical Center (LUMC)
Classification: Likely benign. Review status: no assertion criteria provided. Collection method: clinical testing. Allele origin: germline. Affected: yes. Study: VKGL Data-share Consensus. Not counted in ClinVar's aggregate classification.